The following is an entry in ClinVar:

ClinVar aggregate classification (germline): Uncertain significance (1 of 4 stars; one submission).

Submission:

Labcorp Genetics (formerly Invitae), Labcorp
Classification: Uncertain significance. Last evaluated: 2020-09-24. Review status: criteria provided, single submitter. Criteria: Invitae Variant Classification Sherloc (09022015). Collection method: clinical testing. Allele origin: germline.
Comment: This variant has not been reported in the literature in individuals with FLNB-related conditions. Advanced modeling of protein sequence and biophysical properties (such as structural, functional, and spatial information, amino acid conservation, physicochemical variation, residue mobility, and thermodynamic stability) performed at Invitae indicates that this missense variant is not expected to disrupt FLNB protein function. In summary, the available evidence is currently insufficient to determine the role of this variant in disease. Therefore, it has been classified as a Variant of Uncertain Significance. This variant is not present in population databases (ExAC no frequency). This sequence change replaces glycine with arginine at codon 1149 of the FLNB protein (p.Gly1149Arg). The glycine residue is highly conserved and there is a moderate physicochemical difference between glycine and arginine.

NM_001457.4(FLNB):c.3445G>C (p.Gly1149Arg)

Gene: FLNB (filamin B; plus strand). Cytogenetic location: 3p14.3.
Variant type: single nucleotide variant.
Coding change: c.3445G>C on transcript NM_001457.4 (MANE Select); coding-DNA position 3445, G replaced by C.
Protein change: p.Gly1149Arg; replaces glycine 1149 with arginine.
Molecular consequence: missense variant.
Genome position (GRCh38, 1-based): chr3:58,123,411, G>C. VCF-style: chr3-58123411-G-C. GRCh37 (hg19) VCF-style: chr3-58109138-G-C.
Other names: c.3445G>C, p.Gly1149Arg (NM_001164317.2, NM_001164318.2, NM_001164319.2); short protein forms G1149R.
Identifiers: ClinVar variation 1055670 (VCV001055670.5), dbSNP rs2107175684, ClinGen allele CA353348819.